The following is an entry in ClinVar:

NM_022081.6(HPS4):c.1615G>T (p.Val539Leu)

Gene: HPS4 (HPS4 biogenesis of lysosomal organelles complex 3 subunit 2; minus strand). Cytogenetic location: 22q12.1.
Variant type: single nucleotide variant.
Coding change: c.1615G>T on transcript NM_022081.6 (MANE Select); coding-DNA position 1615, G replaced by T.
Protein change: p.Val539Leu; replaces valine 539 with leucine.
Molecular consequence: missense variant. On other transcripts: non-coding transcript variant (8).
Genome position (GRCh38, 1-based): chr22:26,464,015, C>A on the plus strand (G>T on the coding strand, the complement: HPS4 is on the minus strand). VCF-style: chr22-26464015-C-A. GRCh37 (hg19) VCF-style: chr22-26859981-C-A.
Other names: c.1615G>T, p.Val539Leu (NM_001349896.1, NM_001349898.2, NM_001349899.2 and 4 more transcripts); c.1669G>T, p.Val557Leu (NM_001349900.2, NM_001349901.1); c.1600G>T, p.Val534Leu (NM_152841.2); c.1615G>T (NM_022081.4); short protein forms V557L, V534L, V539L.
Identifiers: ClinVar variation 1356816 (VCV001356816.6), dbSNP rs116241923, ClinGen allele CA10163277.

ClinVar aggregate classification (germline): Uncertain significance. Review status: criteria provided, multiple submitters, no conflicts (2 of 4 stars). 2 submissions from 2 submitters: Uncertain significance (2). Last evaluated 2024-03-04.

Conditions:
Inborn genetic diseases. Identifiers: MedGen C0950123, MeSH D030342.

Allele frequency attached by ClinVar (database versions not stated): ExAC 0.00002; gnomAD exomes 0.00002; ESP Exome Variant Server 0.00008; 1000 Genomes Project 0.00020; 1000 Genomes Project 30x 0.00031.
gnomAD v4.1: 48 of 1,614,262 alleles (0.003%); highest among the groups gnomAD compares: African/African-American, 0.061%; 1 homozygote.

Submissions (2):

Ambry Genetics
Classification: Uncertain significance for Inborn genetic diseases. Last evaluated: 2024-03-04. Review status: criteria provided, single submitter. Criteria: Ambry Variant Classification Scheme 2023. Collection method: clinical testing. Allele origin: germline.

Labcorp Genetics (formerly Invitae), Labcorp
Classification: Uncertain significance. Last evaluated: 2021-08-28. Review status: criteria provided, single submitter. Criteria: Invitae Variant Classification Sherloc (09022015). Collection method: clinical testing. Allele origin: germline.
Comment: This sequence change replaces valine with leucine at codon 539 of the HPS4 protein (p.Val539Leu). The valine residue is moderately conserved and there is a small physicochemical difference between valine and leucine. This variant is present in population databases (rs116241923, ExAC 0.03%). This variant has not been reported in the literature in individuals affected with HPS4-related conditions. Algorithms developed to predict the effect of missense changes on protein structure and function output the following: SIFT: "Tolerated"; PolyPhen-2: "Benign"; Align-GVGD: "Class C0". The leucine amino acid residue is found in multiple mammalian species, which suggests that this missense change does not adversely affect protein function. In summary, the available evidence is currently insufficient to determine the role of this variant in disease. Therefore, it has been classified as a Variant of Uncertain Significance.